The following is an entry in ClinVar:

NM_139242.4(MTFMT):c.832T>C (p.Trp278Arg)

Gene: MTFMT (mitochondrial methionyl-tRNA formyltransferase; minus strand). Cytogenetic location: 15q22.31.
Variant type: single nucleotide variant.
Coding change: c.832T>C on transcript NM_139242.4 (MANE Select); coding-DNA position 832, T replaced by C.
Protein change: p.Trp278Arg; replaces tryptophan 278 with arginine.
Molecular consequence: missense variant.
Genome position (GRCh38, 1-based): chr15:65,006,173, A>G on the plus strand (T>C on the coding strand, the complement: MTFMT is on the minus strand). VCF-style: chr15-65006173-A-G. GRCh37 (hg19) VCF-style: chr15-65298511-A-G.
Other names: short protein forms W278R.
Identifiers: ClinVar variation 5005446 (VCV005005446.2).

ClinVar aggregate classification (germline): Uncertain significance (1 of 4 stars; one submission).

Conditions:
Mitochondrial complex I deficiency, nuclear type 27. Also called: Mitochondrial complex 1 deficiency, nuclear type 27. Identifiers: MedGen C4748826, MONDO:0032631, OMIM 618248.
Combined oxidative phosphorylation defect type 15. Also called: Combined oxidative phosphorylation deficiency 15. Identifiers: Orphanet 319524, MedGen C4706313, MONDO:0013987, OMIM 614947.

Submission:

Juno Genomics, Hangzhou Juno Genomics, Inc
Classification: Uncertain significance for Combined oxidative phosphorylation defect type 15; Mitochondrial complex I deficiency, nuclear type 27. Review status: criteria provided, single submitter. Criteria: ACMG Guidelines, 2015. Collection method: clinical testing. Allele origin: germline.
Comment: Absent from controls (or at extremely low frequency if recessive) in Genome Aggregation Database.